The following is an entry in ClinVar:

NM_000448.3(RAG1):c.994C>G (p.Arg332Gly)

Gene: RAG1 (recombination activating 1; plus strand). Cytogenetic location: 11p12.
Variant type: single nucleotide variant.
Coding change: c.994C>G on transcript NM_000448.3 (MANE Select); coding-DNA position 994, C replaced by G.
Protein change: p.Arg332Gly; replaces arginine 332 with glycine.
Molecular consequence: missense variant.
Genome position (GRCh38, 1-based): chr11:36,574,298, C>G. VCF-style: chr11-36574298-C-G. GRCh37 (hg19) VCF-style: chr11-36595848-C-G.
Other names: c.994C>G, p.Arg332Gly (NM_001377277.1, NM_001377278.1, NM_001377279.1 and 1 more transcripts); short protein forms R332G.
Identifiers: ClinVar variation 3942503 (VCV003942503.2).

ClinVar aggregate classification (germline): Uncertain significance. Review status: criteria provided, multiple submitters, no conflicts (2 of 4 stars). 2 submissions from 2 submitters: Uncertain significance (2). Last evaluated 2025-07-02.

Conditions:
Severe combined immunodeficiency, autosomal recessive, T cell-negative, B cell-negative, NK cell-positive. Also called: SCID, T CELL-NEGATIVE, B CELL-NEGATIVE, NK CELL-POSITIVE; SCID, AR, T-cell negative, B-cell negative, NK cell-positive; Severe combined immunodeficiency due to complete RAG1/2 deficiency. Identifiers: Orphanet 331206, MedGen C1832322, MONDO:0011086, OMIM 601457.
Combined immunodeficiency with skin granulomas. Identifiers: Orphanet 157949, MedGen C2673536, MONDO:0009306, OMIM 233650.
Inborn genetic diseases. Identifiers: MedGen C0950123, MeSH D030342.

gnomAD v4.1: 16 of 1,614,200 alleles (0.00099%); highest among the groups gnomAD compares: East Asian, 0.029%; no homozygotes.

Submissions (2):

Labcorp Genetics (formerly Invitae), Labcorp
Classification: Uncertain significance for Combined immunodeficiency with skin granulomas; Severe combined immunodeficiency, autosomal recessive, T cell-negative, B cell-negative, NK cell-positive. Last evaluated: 2025-07-02. Review status: criteria provided, single submitter. Criteria: Invitae Variant Classification Sherloc (09022015). Collection method: clinical testing. Allele origin: germline.
Comment: This sequence change replaces arginine, which is basic and polar, with glycine, which is neutral and non-polar, at codon 332 of the RAG1 protein (p.Arg332Gly). This variant is present in population databases (rs568867325, gnomAD 0.03%). This variant has not been reported in the literature in individuals affected with RAG1-related conditions. Invitae Evidence Modeling of protein sequence and biophysical properties (such as structural, functional, and spatial information, amino acid conservation, physicochemical variation, residue mobility, and thermodynamic stability) indicates that this missense variant is not expected to disrupt RAG1 protein function with a negative predictive value of 80%. In summary, the available evidence is currently insufficient to determine the role of this variant in disease. Therefore, it has been classified as a Variant of Uncertain Significance.

Ambry Genetics
Classification: Uncertain significance for Inborn genetic diseases. Last evaluated: 2025-03-26. Review status: criteria provided, single submitter. Criteria: Ambry Variant Classification Scheme 2023. Collection method: clinical testing. Allele origin: germline.